The following is an entry in ClinVar:

NM_078470.6(COX15):c.717G>T (p.Trp239Cys)

Gene: COX15 (cytochrome c oxidase assembly factor COX15; minus strand). Cytogenetic location: 10q24.2.
Variant type: single nucleotide variant.
Coding change: c.717G>T on transcript NM_078470.6 (MANE Select); coding-DNA position 717, G replaced by T.
Protein change: p.Trp239Cys; replaces tryptophan 239 with cysteine.
Molecular consequence: missense variant. On other transcripts: non-coding transcript variant (1).
Genome position (GRCh38, 1-based): chr10:99,723,989, C>A on the plus strand (G>T on the coding strand, the complement: COX15 is on the minus strand). VCF-style: chr10-99723989-C-A. GRCh37 (hg19) VCF-style: chr10-101483746-C-A.
Other names: c.717G>T, p.Trp239Cys (NM_001320974.2, NM_001320975.2, NM_001372024.1 and 5 more transcripts); c.180G>T, p.Trp60Cys (NM_001320976.2); short protein forms W239C, W60C.
Identifiers: ClinVar variation 298415 (VCV000298415.6), dbSNP rs886046611, ClinGen allele CA10637175.

ClinVar aggregate classification (germline): Uncertain significance. Review status: criteria provided, multiple submitters, no conflicts (2 of 4 stars). 2 submissions from 2 submitters: Uncertain significance (2). Last evaluated 2025-02-27.

Conditions:
Leigh syndrome (NULS). Also called: Leigh's necrotizing encephalopathy; Leigh's disease; Leigh Syndrome (mtDNA deletion); Leigh's syndrome; Leigh Disease; Subacute necrotizing encephalopathy. Identifiers: Orphanet 506, MedGen C2931891, MONDO:0009723, OMIM 256000.

Submissions (2):

Labcorp Genetics (formerly Invitae), Labcorp
Classification: Uncertain significance. Last evaluated: 2025-02-27. Review status: criteria provided, single submitter. Criteria: Invitae Variant Classification Sherloc (09022015). Collection method: clinical testing. Allele origin: germline.
Comment: This sequence change replaces tryptophan, which is neutral and slightly polar, with cysteine, which is neutral and slightly polar, at codon 239 of the COX15 protein (p.Trp239Cys). This variant is not present in population databases (gnomAD no frequency). This variant has not been reported in the literature in individuals affected with COX15-related conditions. ClinVar contains an entry for this variant (Variation ID: 298415). An algorithm developed to predict the effect of missense changes on protein structure and function (PolyPhen-2) suggests that this variant is likely to be disruptive. In summary, the available evidence is currently insufficient to determine the role of this variant in disease. Therefore, it has been classified as a Variant of Uncertain Significance.

Illumina Laboratory Services, Illumina
Classification: Uncertain significance for Leigh syndrome. Last evaluated: 2018-01-13. Review status: criteria provided, single submitter. Criteria: ICSL Variant Classification Criteria 13 December 2019. Collection method: clinical testing. Allele origin: germline.